The following is an entry in ClinVar:

NM_007294.4(BRCA1):c.5153-16T>C

Gene: BRCA1 (BRCA1 DNA repair associated; minus strand). Cytogenetic location: 17q21.31.
Variant type: single nucleotide variant.
Coding change: c.5153-16T>C on transcript NM_007294.4 (MANE Select); 16 bases into the intron before coding-DNA position 5153, T replaced by C.
Molecular consequence: intron variant.
Genome position (GRCh38, 1-based): chr17:43,063,389, A>G on the plus strand (T>C on the coding strand, the complement: BRCA1 is on the minus strand). VCF-style: chr17-43063389-A-G. GRCh37 (hg19) VCF-style: chr17-41215406-A-G.
Other names: c.5006-16T>C (NM_001407846.1, NM_001407850.1, NM_001407844.1 and 12 more transcripts); c.5012-16T>C (NM_001407726.1, NM_001407730.1, NM_001407692.1 and 13 more transcripts); c.1313-16T>C (NM_001408513.1); c.1577-16T>C (NM_001408503.1, NM_001408502.1, NM_001408504.1); c.5009-16T>C (NM_001407943.1, NM_001407748.1, NM_001407752.1 and 21 more transcripts); c.1580-16T>C (NM_001408500.1, NM_001408497.1, NM_001408496.1 and 3 more transcripts); c.4889-16T>C (NM_001407921.1, NM_001407926.1, NM_001407924.1 and 4 more transcripts); c.1700-16T>C (NM_001408466.1, NM_001408460.1, NM_001408465.1 and 7 more transcripts); and 72 more.
Identifiers: ClinVar variation 867731 (VCV000867731.11), dbSNP rs2051876446, ClinGen allele CA916080075.

ClinVar aggregate classification (germline): Likely benign (1 of 4 stars; one submission).

Conditions:
Hereditary breast ovarian cancer syndrome. Also called: Hereditary breast and ovarian cancer; Hereditary breast and ovarian cancer syndrome (HBOC); Breast and ovarian cancer; Hereditary breast and/or ovarian cancer syndrome; BRCA1- and BRCA2-Associated Hereditary Breast and Ovarian Cancer; Hereditary breast and ovarian cancer syndrome. Identifiers: Orphanet 145, MedGen C0677776, MeSH D061325, MONDO:0003582. Disease mechanism: loss of function.

Submissions (2):

Labcorp Genetics (formerly Invitae), Labcorp
Classification: Likely benign for Hereditary breast ovarian cancer syndrome. Last evaluated: 2022-01-26. Review status: criteria provided, single submitter. Criteria: Invitae Variant Classification Sherloc (09022015). Collection method: clinical testing. Allele origin: germline.

Brotman Baty Institute, University of Washington
No classification provided (evidence only). Condition: Breast-ovarian cancer, familial 1. Review status: no classification provided. Collection method: in vitro. Allele origin: not applicable. Functional consequence: functionally_normal. Not counted in ClinVar's aggregate classification.
ClinVar note: "not provided" was previously submitted as the classification for the variant. However, the classification appeared to be based only on an observation of functional data so it was converted to no classification on 2025-07-30.